The following is an entry in ClinVar:

ClinVar aggregate classification (germline): Benign/Likely benign. Review status: criteria provided, multiple submitters, no conflicts (2 of 4 stars). 4 submissions from 4 submitters: Benign (1); Likely benign (3). Last evaluated 2026-08-18.

Conditions:
Hereditary cancer-predisposing syndrome. Also called: Tumor predisposition; Neoplastic Syndromes, Hereditary; Hereditary Cancer Syndrome; Hereditary neoplastic syndrome. Identifiers: Orphanet 140162, MedGen C0027672, MeSH D009386, MONDO:0015356.
DICER1-related tumor predisposition. Also called: DICER1 syndrome; DICER1-related pleuropulmonary blastoma cancer predisposition syndrome. Identifiers: Orphanet 284343, MedGen C3839822, MONDO:0100216.

Allele frequency attached by ClinVar (database versions not stated): gnomAD 0.00001.

Submissions (4):

Myriad Genetics, Inc.
Classification: Benign for DICER1-related tumor predisposition. Last evaluated: 2026-08-18. Review status: criteria provided, single submitter. Criteria: Myriad Autosomal Dominant, Autosomal Recessive and X-Linked Classification Criteria (2023). Collection method: clinical testing. Allele origin: unknown.
Comment: This variant is considered benign. This variant is a silent/synonymous amino acid change and it is not expected to impact splicing.

CeGaT Center for Human Genetics Tuebingen
Classification: Likely benign. Last evaluated: 2025-08-01. Review status: criteria provided, single submitter. Criteria: CeGaT Center For Human Genetics Tuebingen Variant Classification Criteria Version 2. Collection method: clinical testing. Allele origin: germline. Affected: yes. Observed: 1 variant allele.
Comment: DICER1: PM2:Supporting, BP4, BP7

Labcorp Genetics (formerly Invitae), Labcorp
Classification: Likely benign for DICER1-related tumor predisposition. Last evaluated: 2024-04-10. Review status: criteria provided, single submitter. Criteria: Invitae Variant Classification Sherloc (09022015). Collection method: clinical testing. Allele origin: germline.

Ambry Genetics
Classification: Likely benign for Hereditary cancer-predisposing syndrome. Last evaluated: 2017-05-24. Review status: criteria provided, single submitter. Criteria: Ambry Variant Classification Scheme 2023. Collection method: clinical testing. Allele origin: germline.

NM_177438.3(DICER1):c.4650T>G (p.Thr1550=)

Gene: DICER1 (dicer 1, ribonuclease III; minus strand). Cytogenetic location: 14q32.13.
Variant type: single nucleotide variant.
Coding change: c.4650T>G on transcript NM_177438.3 (MANE Select); coding-DNA position 4650, T replaced by G.
Protein change: p.Thr1550=; no amino-acid change (threonine 1550 retained).
Molecular consequence: synonymous variant.
Genome position (GRCh38, 1-based): chr14:95,096,270, A>C on the plus strand (T>G on the coding strand, the complement: DICER1 is on the minus strand). VCF-style: chr14-95096270-A-C. GRCh37 (hg19) VCF-style: chr14-95562607-A-C.
Other names: c.4650T>G, p.Thr1550= (NM_001195573.1, NM_001271282.3, NM_001291628.2 and 1 more transcripts).
Identifiers: ClinVar variation 479648 (VCV000479648.25), dbSNP rs1555367707, ClinGen allele CA487843799.